The following is an entry in ClinVar:

ClinVar aggregate classification (germline): Uncertain significance. Review status: criteria provided, multiple submitters, no conflicts (2 of 4 stars). 2 submissions from 2 submitters: Uncertain significance (2). Last evaluated 2024-12-09.

Conditions:
Neurodevelopmental disorder with or without variable movement or behavioral abnormalities (NEDMAB). Identifiers: MedGen C5676908, MONDO:0859225, OMIM 619725.

Submissions (2):

Genetics and Genomic Medicine Centre, NeuroGen Healthcare, NeuroGen Healthcare
Classification: Uncertain significance for Neurodevelopmental disorder with or without variable movement or behavioral abnormalities. Last evaluated: 2024-12-09. Review status: criteria provided, single submitter. Criteria: ACMG Guidelines, 2015. Collection method: clinical testing. Allele origin: unknown. Affected: yes.

Neuberg Centre For Genomic Medicine, NCGM
Classification: Uncertain significance for Neurodevelopmental disorder with or without variable movement or behavioral abnormalities. Last evaluated: 2023-06-22. Review status: criteria provided, single submitter. Criteria: ACMG Guidelines, 2015. Collection method: clinical testing. Allele origin: germline. Inheritance: Autosomal dominant inheritance. Affected: yes.
Comment: The observed frameshift, splice region variant c.1890+3_1890+6dup in KCNN2 gene has not been reported previously as a pathogenic variant nor as a benign variant, to our knowledge. This variant is reported with 0.002% allele frequency in gnomAD Exomes. For these reasons, this variant has been classified as Uncertain Significance.

NM_021614.4(KCNN2):c.1890+3_1890+6dup

Genes: KCNN2 (potassium calcium-activated channel subfamily N member 2; plus strand), KCNN2-AS1 (KCNN2 antisense RNA 1; minus strand). Cytogenetic location: 5q22.3.
Variant type: Duplication.
Coding change: c.1890+3_1890+6dup on transcript NM_021614.4 (MANE Select); bases 3 to 6 of the intron after coding-DNA position 1890, 4 bases duplicated (AAGT; older notation c.1890+3_1890+6dupAAGT).
Molecular consequence: splice donor variant.
Genome position (GRCh38, 1-based): chr5:114,473,167-114,473,170, AAGT duplicated; duplicating any 4 consecutive bases within chr5:114,473,164-114,473,170 gives the same sequence; the c. name uses the placement nearest the transcript's 3' end. VCF-style (leftmost placement, unchanged base first): chr5-114473163-G-GAGTA. GRCh37 (hg19) VCF-style: chr5-113808860-G-GAGTA.
Other names: c.1889_1890insAGTA (NM_021614.4); c.2088+3_2088+6dup (NM_001372233.1); c.210+3_210+6dup (NM_170775.3).
Identifiers: ClinVar variation 3731442 (VCV003731442.2).